The following is an entry in ClinVar:

ClinVar aggregate classification (germline): Conflicting classifications of pathogenicity. Review status: criteria provided, conflicting classifications (1 of 4 stars). 4 submissions from 4 submitters: Uncertain significance (3); Likely benign (1). Last evaluated 2025-11-19.

Conditions:
Rhabdoid tumor predisposition syndrome 2 (RTPS2). Identifiers: Orphanet 231108, Orphanet 69077, MedGen C2750074, MONDO:0013224, OMIM 613325.
Hereditary cancer-predisposing syndrome. Also called: Hereditary Cancer Syndrome; Neoplastic Syndromes, Hereditary; Tumor predisposition; Hereditary neoplastic syndrome. Identifiers: Orphanet 140162, MedGen C0027672, MeSH D009386, MONDO:0015356.
Intellectual disability, autosomal dominant 16 (CSS4). Also called: COFFIN-SIRIS SYNDROME 4. Identifiers: Orphanet 1465, MedGen C3553249, MONDO:0013821, OMIM 614609.

Allele frequency attached by ClinVar (database versions not stated): TOPMed 0.00001; gnomAD exomes 0.00002; ExAC 0.00003; gnomAD 0.00003; 1000 Genomes Project 30x 0.00016; 1000 Genomes Project 0.00020.
gnomAD v4.1: 32 of 1,609,128 alleles (0.002%); highest among the groups gnomAD compares: African/African-American, 0.0027%; no homozygotes.

Submissions (4):

Labcorp Genetics (formerly Invitae), Labcorp
Classification: Uncertain significance for Rhabdoid tumor predisposition syndrome 2. Last evaluated: 2025-11-19. Review status: criteria provided, single submitter. Criteria: Invitae Variant Classification Sherloc (09022015). Collection method: clinical testing. Allele origin: germline.
Comment: This sequence change replaces arginine, which is basic and polar, with glutamine, which is neutral and polar, at codon 1593 of the SMARCA4 protein (p.Arg1593Gln). This variant is present in population databases (rs201258822, gnomAD 0.02%). This variant has not been reported in the literature in individuals affected with SMARCA4-related conditions. ClinVar contains an entry for this variant (Variation ID: 480562). Invitae Evidence Modeling of protein sequence and biophysical properties (such as structural, functional, and spatial information, amino acid conservation, physicochemical variation, residue mobility, and thermodynamic stability) indicates that this missense variant is expected to disrupt SMARCA4 protein function with a positive predictive value of 95%. In summary, the available evidence is currently insufficient to determine the role of this variant in disease. Therefore, it has been classified as a Variant of Uncertain Significance.

Quest Diagnostics Nichols Institute San Juan Capistrano
Classification: Uncertain significance. Last evaluated: 2024-02-23. Review status: criteria provided, single submitter. Criteria: Quest Diagnostics criteria. Collection method: clinical testing. Allele origin: unknown.
Comment: The SMARCA4 c.4778G>A (p.Arg1593Gln) variant has not been reported in individuals with SMARCA4-related conditions in the published literature. The frequency of this variant in the general population, 0.00021 (5/23844 chromosomes in European (Finnish) subpopulation (Genome Aggregation Database)), is higher than would generally be expected for pathogenic variants in this gene. Analysis of this variant using bioinformatics tools for the prediction of the effect of amino acid changes on protein structure and function yielded conflicting predictions that this variant is benign or damaging. Based on the available information, we are unable to determine the clinical significance of this variant.

Ambry Genetics
Classification: Likely benign for Hereditary cancer-predisposing syndrome. Last evaluated: 2023-02-23. Review status: criteria provided, single submitter. Criteria: Ambry Variant Classification Scheme 2023. Collection method: clinical testing. Allele origin: germline.

Genome-Nilou Lab
Classification: Uncertain significance for Intellectual disability, autosomal dominant 16. Last evaluated: 2021-07-15. Review status: criteria provided, single submitter. Criteria: ACMG Guidelines, 2015. Collection method: clinical testing. Allele origin: germline. Affected: no.

NM_003072.5(SMARCA4):c.4682G>A (p.Arg1561Gln)

Gene: SMARCA4 (SWI/SNF related BAF chromatin remodeling complex subunit ATPase 4; plus strand). Cytogenetic location: 19p13.2.
Variant type: single nucleotide variant.
Coding change: c.4682G>A on transcript NM_003072.5 (MANE Select); coding-DNA position 4682, G replaced by A.
Protein change: p.Arg1561Gln; replaces arginine 1561 with glutamine.
Molecular consequence: missense variant. On other transcripts: non-coding transcript variant (1).
Genome position (GRCh38, 1-based): chr19:11,059,799, G>A. VCF-style: chr19-11059799-G-A. GRCh37 (hg19) VCF-style: chr19-11170475-G-A.
Other names: c.4682G>A, p.Arg1561Gln (NM_001128844.3); c.4592G>A, p.Arg1531Gln (NM_001128845.2); c.4589G>A, p.Arg1530Gln (NM_001128846.2); c.4583G>A, p.Arg1528Gln (NM_001128847.4, NM_001374457.1); c.4580G>A, p.Arg1527Gln (NM_001128848.2); c.4778G>A, p.Arg1593Gln (NM_001128849.3, NM_001387283.1); short protein forms R1593Q, R1561Q, R1531Q, R1527Q, R1528Q, R1530Q.
Identifiers: ClinVar variation 480562 (VCV000480562.17), dbSNP rs201258822, ClinGen allele CA9204827.